The following is an entry in ClinVar:

ClinVar aggregate classification (germline): Conflicting classifications of pathogenicity. Review status: criteria provided, conflicting classifications (1 of 4 stars). 4 submissions from 4 submitters: Uncertain significance (2); Likely benign (1). 1 of the submissions does not count toward it. Last evaluated 2026-01-26.

Conditions:
Polyglandular autoimmune syndrome, type 1 (APS1). Also called: AUTOIMMUNE POLYENDOCRINE SYNDROME, TYPE I, WITH OR WITHOUT REVERSIBLE METAPHYSEAL DYSPLASIA; Autoimmune polyendocrinopathy syndrome, type I; Autoimmune polyendocrine syndrome type 1; Whitaker syndrome; Autoimmune polyendocrinopathy syndrome , type I, with or without reversible metaphyseal dysplasia; HYPOADRENOCORTICISM WITH HYPOPARATHYROIDISM AND SUPERFICIAL MONILIASIS. Identifiers: Orphanet 3453, MedGen C0085859, MONDO:0009411, OMIM 240300.
Inborn genetic diseases. Identifiers: MedGen C0950123, MeSH D030342.

Allele frequency attached by ClinVar (database versions not stated): gnomAD 0.00003 and 0.00005; TOPMed 0.00005; ExAC 0.00006; 1000 Genomes Project 30x 0.00016; 1000 Genomes Project 0.00040.
gnomAD v4.1: 62 of 1,532,602 alleles (0.004%); highest among the groups gnomAD compares: Admixed American, 0.016%; no homozygotes.

Submissions (4):

Labcorp Genetics (formerly Invitae), Labcorp
Classification: Uncertain significance for Polyglandular autoimmune syndrome, type 1. Last evaluated: 2026-01-26. Review status: criteria provided, single submitter. Criteria: Invitae Variant Classification Sherloc (09022015). Collection method: clinical testing. Allele origin: germline.
Comment: This sequence change replaces arginine, which is basic and polar, with histidine, which is basic and polar, at codon 494 of the AIRE protein (p.Arg494His). The frequency data for this variant in the population databases is considered unreliable, as metrics indicate poor data quality at this position in the gnomAD database. This variant has not been reported in the literature in individuals affected with AIRE-related conditions. ClinVar contains an entry for this variant (Variation ID: 972448). Invitae Evidence Modeling of protein sequence and biophysical properties (such as structural, functional, and spatial information, amino acid conservation, physicochemical variation, residue mobility, and thermodynamic stability) indicates that this missense variant is not expected to disrupt AIRE protein function with a negative predictive value of 95%. In summary, the available evidence is currently insufficient to determine the role of this variant in disease. Therefore, it has been classified as a Variant of Uncertain Significance.

Ambry Genetics
Classification: Likely benign for Inborn genetic diseases. Last evaluated: 2025-08-01. Review status: criteria provided, single submitter. Criteria: Ambry Variant Classification Scheme 2023. Collection method: clinical testing. Allele origin: germline.

Mayo Clinic Laboratories, Mayo Clinic
Classification: Uncertain significance. Last evaluated: 2025-06-09. Review status: criteria provided, single submitter. Criteria: ACMG Guidelines, 2015. Collection method: clinical testing. Allele origin: germline. Observed: 1 variant allele.
Comment: BP4_moderate

Natera, Inc.
Classification: Uncertain significance for Polyglandular autoimmune syndrome type 1. Last evaluated: 2020-01-31. Review status: no assertion criteria provided. Collection method: clinical testing. Allele origin: germline. Not counted in ClinVar's aggregate classification.

NM_000383.4(AIRE):c.1481G>A (p.Arg494His)

Gene: AIRE (autoimmune regulator; plus strand). Cytogenetic location: 21q22.3.
Variant type: single nucleotide variant.
Coding change: c.1481G>A on transcript NM_000383.4 (MANE Select); coding-DNA position 1481, G replaced by A.
Protein change: p.Arg494His; replaces arginine 494 with histidine.
Molecular consequence: missense variant.
Genome position (GRCh38, 1-based): chr21:44,294,481, G>A. VCF-style: chr21-44294481-G-A. GRCh37 (hg19) VCF-style: chr21-45714364-G-A.
Other names: p.Arg494His; c.1481G>A (NM_000383.2); short protein forms R494H.
Identifiers: ClinVar variation 972448 (VCV000972448.11), dbSNP rs528762050, ClinGen allele CA500012.